The following is an entry in ClinVar:

ClinVar aggregate classification (germline): Uncertain significance (1 of 4 stars; one submission).

Submission:

GeneDx
Classification: Uncertain significance. Last evaluated: 2019-12-12. Review status: criteria provided, single submitter. Criteria: GeneDx Variant Classification Process June 2021. Collection method: clinical testing. Allele origin: germline. Affected: yes.
Comment: Not observed in large population cohorts (Lek et al., 2016); In silico analysis, which includes protein predictors and evolutionary conservation, supports a deleterious effect; Has not been previously published as pathogenic or benign to our knowledge; In-silico analysis, which includes splice predictors and evolutionary conservation, is inconclusive as to whether the variant alters gene splicing. In the absence of RNA/functional studies, the actual effect of this sequence change is unknown.

NM_153676.4(USH1C):c.818A>T (p.Glu273Val)

Gene: USH1C (USH1 protein network component harmonin; minus strand). Cytogenetic location: 11p15.1.
Variant type: single nucleotide variant.
Coding change: c.818A>T on transcript NM_153676.4 (MANE Select); coding-DNA position 818, A replaced by T.
Protein change: p.Glu273Val; replaces glutamic acid 273 with valine.
Molecular consequence: missense variant. On other transcripts: non-coding transcript variant (1).
Genome position (GRCh38, 1-based): chr11:17,523,420, T>A on the plus strand (A>T on the coding strand, the complement: USH1C is on the minus strand). VCF-style: chr11-17523420-T-A. GRCh37 (hg19) VCF-style: chr11-17544967-T-A.
Other names: c.818A>T, p.Glu273Val (NM_001297764.2, NM_005709.4); short protein forms E273V.
Identifiers: ClinVar variation 1303004 (VCV001303004.2), dbSNP rs2133880564, ClinGen allele CA379789337.